The following is an entry in ClinVar:

NM_182914.3(SYNE2):c.9396G>C (p.Lys3132Asn)

Gene: SYNE2 (spectrin repeat containing nuclear envelope protein 2; plus strand). Cytogenetic location: 14q23.2.
Variant type: single nucleotide variant.
Coding change: c.9396G>C on transcript NM_182914.3 (MANE Select); coding-DNA position 9396, G replaced by C.
Protein change: p.Lys3132Asn; replaces lysine 3132 with asparagine.
Molecular consequence: missense variant.
Genome position (GRCh38, 1-based): chr14:64,053,309, G>C. VCF-style: chr14-64053309-G-C. GRCh37 (hg19) VCF-style: chr14-64520027-G-C.
Other names: c.9396G>C, p.Lys3132Asn (NM_015180.6); short protein forms K3132N.
Identifiers: ClinVar variation 313545 (VCV000313545.14), dbSNP rs566182360, ClinGen allele CA7221261.

ClinVar aggregate classification (germline): Benign. Review status: criteria provided, multiple submitters, no conflicts (2 of 4 stars). 3 submissions from 3 submitters: Benign (3). Last evaluated 2026-01-05.

Conditions:
Emery-Dreifuss muscular dystrophy 5, autosomal dominant (EDMD5). Also called: EMERY-DREIFUSS MUSCULAR DYSTROPHY 5. Identifiers: Orphanet 261, MedGen C2751805, MONDO:0013072, OMIM 612999.

Allele frequency attached by ClinVar (database versions not stated): gnomAD 0.00009 and 0.00086; TOPMed 0.00019; 1000 Genomes Project 30x 0.00515; 1000 Genomes Project 0.00539.
gnomAD v4.1: 2,016 of 1,610,256 alleles (0.13%); highest among the groups gnomAD compares: South Asian, 2.1%; 25 homozygotes.

Submissions (3):

Labcorp Genetics (formerly Invitae), Labcorp
Classification: Benign for Emery-Dreifuss muscular dystrophy 5, autosomal dominant. Last evaluated: 2026-01-05. Review status: criteria provided, single submitter. Criteria: Invitae Variant Classification Sherloc (09022015). Collection method: clinical testing. Allele origin: germline.

Illumina Laboratory Services, Illumina
Classification: Benign for Emery-Dreifuss muscular dystrophy 5, autosomal dominant. Last evaluated: 2018-01-13. Review status: criteria provided, single submitter. Criteria: ICSL Variant Classification Criteria 13 December 2019. Collection method: clinical testing. Allele origin: germline.
Comment: This variant was observed in the ICSL laboratory as part of a predisposition screen in an ostensibly healthy population. It had not been previously curated by ICSL or reported in the Human Gene Mutation Database (HGMD: prior to June 1st, 2018), and was therefore a candidate for classification through an automated scoring system. Utilizing variant allele frequency, disease prevalence and penetrance estimates, and inheritance mode, an automated score was calculated to assess if this variant is too frequent to cause the disease. Based on the score and internal cut-off values, a variant classified as benign is not then subjected to further curation. The score for this variant resulted in a classification of benign for this disease.

Athena Diagnostics
Classification: Benign. Last evaluated: 2016-09-14. Review status: criteria provided, single submitter. Criteria: Athena Diagnostics Criteria. Collection method: clinical testing. Allele origin: germline.